The following is an entry in ClinVar:

ClinVar aggregate classification (germline): Uncertain significance (1 of 4 stars; one submission).

Conditions:
Charcot-Marie-Tooth disease, type I (CMT1). Also called: Charcot-Marie-Tooth, Type 1; Charcot-Marie-Tooth disease type 1. Identifiers: Orphanet 65753, MedGen C0751036, MONDO:0019011.

Allele frequency attached by ClinVar (database versions not stated): gnomAD 0.00001; gnomAD exomes 0.00001; ESP Exome Variant Server 0.00008.

Submission:

Labcorp Genetics (formerly Invitae), Labcorp
Classification: Uncertain significance for Charcot-Marie-Tooth disease, type I. Last evaluated: 2022-10-13. Review status: criteria provided, single submitter. Criteria: Invitae Variant Classification Sherloc (09022015). Collection method: clinical testing. Allele origin: germline.
Comment: In summary, the available evidence is currently insufficient to determine the role of this variant in disease. Therefore, it has been classified as a Variant of Uncertain Significance. Advanced modeling of protein sequence and biophysical properties (such as structural, functional, and spatial information, amino acid conservation, physicochemical variation, residue mobility, and thermodynamic stability) performed at Invitae indicates that this missense variant is not expected to disrupt EGR2 protein function. ClinVar contains an entry for this variant (Variation ID: 1397870). This variant has not been reported in the literature in individuals affected with EGR2-related conditions. This variant is present in population databases (rs372491511, gnomAD 0.003%). This sequence change replaces alanine, which is neutral and non-polar, with valine, which is neutral and non-polar, at codon 187 of the EGR2 protein (p.Ala187Val).

NM_000399.5(EGR2):c.560C>T (p.Ala187Val)

Gene: EGR2 (early growth response 2; minus strand). Cytogenetic location: 10q21.3.
Variant type: single nucleotide variant.
Coding change: c.560C>T on transcript NM_000399.5 (MANE Select); coding-DNA position 560, C replaced by T.
Protein change: p.Ala187Val; replaces alanine 187 with valine.
Molecular consequence: missense variant.
Genome position (GRCh38, 1-based): chr10:62,814,078, G>A on the plus strand (C>T on the coding strand, the complement: EGR2 is on the minus strand). VCF-style: chr10-62814078-G-A. GRCh37 (hg19) VCF-style: chr10-64573838-G-A.
Other names: c.560C>T, p.Ala187Val (NM_001136177.3, NM_001136178.2); c.410C>T, p.Ala137Val (NM_001136179.3, NM_001321037.2); short protein forms A187V, A137V.
Identifiers: ClinVar variation 1397870 (VCV001397870.6), dbSNP rs372491511, ClinGen allele CA208351876.
Genomic context (GRCh38, chr10:62,814,078, plus strand): 5'-GAAGGAGGTGGTGGGTAGGCCAGAGAGGAAGAGGTGGAGGTGGTGGCTGCTGACAGGAAC[G>A]CAGAAGGGTCCTGGTAGAGGTCTCCTGCACAGCCAGAATAAGGAGGAGGAGGCGGTGGCG-3'
Protein context (NP_000390.2, residues 177-197): CAGDLYQDPS[Ala187Val]FLSAATTSTS